The following is an entry in ClinVar:

NM_024996.7(GFM1):c.486dup (p.Lys163fs)

Gene: GFM1 (G elongation factor mitochondrial 1; plus strand). Cytogenetic location: 3q25.32.
Variant type: Duplication.
Coding change: c.486dup on transcript NM_024996.7 (MANE Select); coding-DNA position 486, one base duplicated (G; older notation c.486dupG).
Protein change: p.Lys163fs; shifts the reading frame from lysine 163.
Molecular consequence: frameshift variant. On other transcripts: non-coding transcript variant (3), intron variant (4).
Genome position (GRCh38, 1-based): chr3:158,646,861, G duplicated. VCF-style (leftmost placement, unchanged base first): chr3-158646860-T-TG. GRCh37 (hg19) VCF-style: chr3-158364649-T-TG.
Other names: c.486dup, p.Lys163fs (NM_001308164.2, NM_001308166.2, NM_001374355.1 and 1 more transcripts); c.261dup, p.Lys88fs (NM_001374357.1); c.5+1080dup (NM_001374359.1, NM_001374360.1, NM_001374361.1); c.234+1080dup (NM_001374358.1); short protein forms K88fs, K163fs.
Identifiers: ClinVar variation 941971 (VCV000941971.7), dbSNP rs1181841660, ClinGen allele CA901379705.

ClinVar aggregate classification (germline): Pathogenic (1 of 4 stars; one submission).

Allele frequency attached by ClinVar (database versions not stated): TOPMed below 0.00001.

Submission:

Labcorp Genetics (formerly Invitae), Labcorp
Classification: Pathogenic. Last evaluated: 2019-10-02. Review status: criteria provided, single submitter. Criteria: Invitae Variant Classification Sherloc (09022015). Collection method: clinical testing. Allele origin: germline.
Comment: For these reasons, this variant has been classified as Pathogenic. Loss-of-function variants in GFM1 are known to be pathogenic (PMID: 16632485, 17160893). This variant has not been reported in the literature in individuals with GFM1-related conditions. This variant is not present in population databases (ExAC no frequency). This sequence change creates a premature translational stop signal (p.Lys163Glufs*12) in the GFM1 gene. It is expected to result in an absent or disrupted protein product.

Literature cited by the submitters: PubMed 16632485; PubMed 17160893.